The following is an entry in ClinVar:

NM_014679.5(CEP57):c.226C>G (p.Leu76Val)

Gene: CEP57 (centrosomal protein 57; plus strand). Cytogenetic location: 11q21.
Variant type: single nucleotide variant.
Coding change: c.226C>G on transcript NM_014679.5 (MANE Select); coding-DNA position 226, C replaced by G.
Protein change: p.Leu76Val; replaces leucine 76 with valine.
Molecular consequence: missense variant.
Genome position (GRCh38, 1-based): chr11:95,812,955, C>G. VCF-style: chr11-95812955-C-G. GRCh37 (hg19) VCF-style: chr11-95546119-C-G.
Other names: c.199C>G, p.Leu67Val (NM_001243776.2); c.226C>G, p.Leu76Val (NM_001243777.2); c.145C>G, p.Leu49Val (NM_001363604.2); short protein forms L49V, L76V, L67V.
Identifiers: ClinVar variation 862197 (VCV000862197.9), dbSNP rs368273217, ClinGen allele CA6239417.

ClinVar aggregate classification (germline): Uncertain significance. Review status: criteria provided, multiple submitters, no conflicts (2 of 4 stars). 2 submissions from 2 submitters: Uncertain significance (2). Last evaluated 2025-11-03.

Conditions:
Inborn genetic diseases. Identifiers: MedGen C0950123, MeSH D030342.
Mosaic variegated aneuploidy syndrome 2 (MVA2). Identifiers: Orphanet 1052, MedGen C3279843, MONDO:0013582, OMIM 614114.

Allele frequency attached by ClinVar (database versions not stated): TOPMed 0.00001; gnomAD 0.00002; ExAC 0.00003; gnomAD exomes 0.00003; ESP Exome Variant Server 0.00008.
gnomAD v4.1: 23 of 1,613,860 alleles (0.0014%); highest among the groups gnomAD compares: Middle Eastern, 0.066%; no homozygotes.

Submissions (2):

Ambry Genetics
Classification: Uncertain significance for Inborn genetic diseases. Last evaluated: 2025-11-03. Review status: criteria provided, single submitter. Criteria: Ambry Variant Classification Scheme 2023. Collection method: clinical testing. Allele origin: germline.

Labcorp Genetics (formerly Invitae), Labcorp
Classification: Uncertain significance for Mosaic variegated aneuploidy syndrome 2. Last evaluated: 2023-09-18. Review status: criteria provided, single submitter. Criteria: Invitae Variant Classification Sherloc (09022015). Collection method: clinical testing. Allele origin: germline.
Comment: This variant is present in population databases (rs368273217, gnomAD 0.006%). In summary, the available evidence is currently insufficient to determine the role of this variant in disease. Therefore, it has been classified as a Variant of Uncertain Significance. Advanced modeling of protein sequence and biophysical properties (such as structural, functional, and spatial information, amino acid conservation, physicochemical variation, residue mobility, and thermodynamic stability) performed at Invitae indicates that this missense variant is expected to disrupt CEP57 protein function. ClinVar contains an entry for this variant (Variation ID: 862197). This variant has not been reported in the literature in individuals affected with CEP57-related conditions. This sequence change replaces leucine, which is neutral and non-polar, with valine, which is neutral and non-polar, at codon 76 of the CEP57 protein (p.Leu76Val).